The following is an entry in ClinVar:

ClinVar aggregate classification (germline): Likely benign. Review status: criteria provided, multiple submitters, no conflicts (2 of 4 stars). 2 submissions from 2 submitters: Likely benign (2). Last evaluated 2023-12-01.

Allele frequency attached by ClinVar (database versions not stated): ESP Exome Variant Server 0.00008.
gnomAD v4.1: 23 of 1,612,128 alleles (0.0014%); highest among the groups gnomAD compares: African/African-American, 0.012%; no homozygotes.

Submissions (2):

CeGaT Center for Human Genetics Tuebingen
Classification: Likely benign. Last evaluated: 2023-12-01. Review status: criteria provided, single submitter. Criteria: CeGaT Center For Human Genetics Tuebingen Variant Classification Criteria Version 2. Collection method: clinical testing. Allele origin: germline. Affected: yes. Observed: 1 variant allele.
Comment: HTT: BP4, BP7

Labcorp Genetics (formerly Invitae), Labcorp
Classification: Likely benign. Last evaluated: 2021-04-29. Review status: criteria provided, single submitter. Criteria: Invitae Variant Classification Sherloc (09022015). Collection method: clinical testing. Allele origin: germline.

NM_001388492.1(HTT):c.8736G>A (p.Pro2912=)

Gene: HTT (huntingtin; plus strand). Cytogenetic location: 4p16.3.
Variant type: single nucleotide variant.
Coding change: c.8736G>A on transcript NM_001388492.1 (MANE Select); coding-DNA position 8736, G replaced by A.
Protein change: p.Pro2912=; no amino-acid change (proline 2912 retained).
Molecular consequence: synonymous variant.
Genome position (GRCh38, 1-based): chr4:3,235,729, G>A. VCF-style: chr4-3235729-G-A. GRCh37 (hg19) VCF-style: chr4-3237456-G-A.
Other names: c.8742G>A, p.Pro2914= (NM_002111.8).
Identifiers: ClinVar variation 1585727 (VCV001585727.30), dbSNP rs369845532, ClinGen allele CA2825779.